The following is an entry in ClinVar:

NM_177550.5(SLC13A5):c.1300G>C (p.Gly434Arg)

Gene: SLC13A5 (solute carrier family 13 member 5; minus strand). Cytogenetic location: 17p13.1.
Variant type: single nucleotide variant.
Coding change: c.1300G>C on transcript NM_177550.5 (MANE Select); coding-DNA position 1300, G replaced by C.
Protein change: p.Gly434Arg; replaces glycine 434 with arginine.
Molecular consequence: missense variant.
Genome position (GRCh38, 1-based): chr17:6,690,916, C>G on the plus strand (G>C on the coding strand, the complement: SLC13A5 is on the minus strand). VCF-style: chr17-6690916-C-G. GRCh37 (hg19) VCF-style: chr17-6594235-C-G.
Other names: c.1300G>C, p.Gly434Arg (NM_001143838.3); c.1249G>C, p.Gly417Arg (NM_001284509.2); c.1171G>C, p.Gly391Arg (NM_001284510.2); short protein forms G434R, G391R, G417R.
Identifiers: ClinVar variation 578627 (VCV000578627.6), dbSNP rs759705304, ClinGen allele CA8331421.
Genomic context (GRCh38, chr17:6,690,916, plus strand): 5'-AGGACAAGATCAAGGTGATGGCTGCCGGGGGCACTGCGTGCAAGGGCTCCATCTGCTTCC[C>G]CATCCACACGGACAGCCCCGAGGCCTGGGAAGCACCAGGAGGGCAGTCATCTCAGCGCTC-3'
Protein context (NP_808218.1, residues 424-444): SEASGLSVWM[Gly434Arg]KQMEPLHAVP

ClinVar aggregate classification (germline): Uncertain significance (1 of 4 stars; one submission).

Conditions:
Developmental and epileptic encephalopathy, 25 (DEE25). Also called: Epileptic encephalopathy, early infantile, 25, with amelogenesis imperfecta; Developmental and epileptic encephalopathy 25, with amelogenesis imperfecta; Epileptic encephalopathy, early infantile, 25. Identifiers: Orphanet 442835, MedGen C4014621, MONDO:0014392, OMIM 615905.

Allele frequency attached by ClinVar (database versions not stated): ExAC 0.00001; TOPMed 0.00001.
gnomAD v4.1: 17 of 1,612,346 alleles (0.0011%); highest among the groups gnomAD compares: Non-Finnish European, 0.0014%; no homozygotes.

Submission:

Labcorp Genetics (formerly Invitae), Labcorp
Classification: Uncertain significance for Developmental and epileptic encephalopathy, 25. Last evaluated: 2022-08-09. Review status: criteria provided, single submitter. Criteria: Invitae Variant Classification Sherloc (09022015). Collection method: clinical testing. Allele origin: germline.
Comment: This sequence change replaces glycine, which is neutral and non-polar, with arginine, which is basic and polar, at codon 434 of the SLC13A5 protein (p.Gly434Arg). This variant is present in population databases (rs759705304, gnomAD 0.002%). This variant has not been reported in the literature in individuals affected with SLC13A5-related conditions. ClinVar contains an entry for this variant (Variation ID: 578627). Algorithms developed to predict the effect of missense changes on protein structure and function (SIFT, PolyPhen-2, Align-GVGD) all suggest that this variant is likely to be disruptive. In summary, the available evidence is currently insufficient to determine the role of this variant in disease. Therefore, it has been classified as a Variant of Uncertain Significance.